The following is an entry in ClinVar:

ClinVar aggregate classification (germline): Uncertain significance (1 of 4 stars; one submission).

Submission:

Labcorp Genetics (formerly Invitae), Labcorp
Classification: Uncertain significance. Last evaluated: 2025-11-06. Review status: criteria provided, single submitter. Criteria: Invitae Variant Classification Sherloc (09022015). Collection method: clinical testing. Allele origin: germline.
Comment: This sequence change creates a premature translational stop signal (p.Trp134*) in the PDX1 gene. While this is not anticipated to result in nonsense mediated decay, it is expected to disrupt the last 150 amino acid(s) of the PDX1 protein. This variant is present in population databases (no rsID available, gnomAD 0.0009%). This premature translational stop signal has been observed in individual(s) with clinical features of PDX1-related conditions (PMID: 34108472; internal data). Experimental studies and prediction algorithms are not available or were not evaluated, and the functional significance of this variant is currently unknown. In summary, the available evidence is currently insufficient to determine the role of this variant in disease. Therefore, it has been classified as a Variant of Uncertain Significance.

Literature cited by the submitters: PubMed 34108472.

NM_000209.4(PDX1):c.402G>A (p.Trp134Ter)

Gene: PDX1 (pancreatic and duodenal homeobox 1; plus strand). Cytogenetic location: 13q12.2.
Variant type: single nucleotide variant.
Coding change: c.402G>A on transcript NM_000209.4 (MANE Select); coding-DNA position 402, G replaced by A.
Protein change: p.Trp134Ter; replaces tryptophan 134 with a stop codon.
Molecular consequence: nonsense.
Genome position (GRCh38, 1-based): chr13:27,920,540, G>A. VCF-style: chr13-27920540-G-A. GRCh37 (hg19) VCF-style: chr13-28494677-G-A.
Other names: short protein forms W134*.
Identifiers: ClinVar variation 4763860 (VCV004763860.1).
Genomic context (GRCh38, chr13:27,920,540, plus strand): 5'-CGTCCAGCTGCCTTTCCCATGGATGAAGTCTACCAAAGCTCACGCGTGGAAAGGCCAGTG[G>A]GCAGGTAAGCCTGGCTCCCCACCCCTTTCTCCTTTCCGGTTCTCACCCGGCCGCCTTACC-3'